The following is an entry in ClinVar:

ClinVar aggregate classification (germline): Uncertain significance. Review status: criteria provided, multiple submitters, no conflicts (2 of 4 stars). 2 submissions from 2 submitters: Uncertain significance (2). Last evaluated 2024-11-22.

Conditions:
Hereditary cancer-predisposing syndrome. Also called: Tumor predisposition; Hereditary Cancer Syndrome; Hereditary neoplastic syndrome; Neoplastic Syndromes, Hereditary. Identifiers: Orphanet 140162, MedGen C0027672, MeSH D009386, MONDO:0015356.
Pheochromocytoma. Also called: MAX-Related Hereditary Paraganglioma-Pheochromocytoma Syndrome. Identifiers: Orphanet 29072, MedGen C0031511, MONDO:0008233, OMIM 171300, HP:0002666.
Cowden syndrome 3 (CWS3). Identifiers: Orphanet 201, MedGen CN166604, MONDO:0014045.
Carney-Stratakis syndrome. Also called: PARAGANGLIOMA AND GASTROINTESTINAL STROMAL TUMOR. Identifiers: Orphanet 97286, MedGen C1847319, MONDO:0011740, OMIM 606864.
Paragangliomas with sensorineural hearing loss. Identifiers: MedGen C1868633.

Submissions (2):

Labcorp Genetics (formerly Invitae), Labcorp
Classification: Uncertain significance for Carney-Stratakis syndrome; Paragangliomas with sensorineural hearing loss; Pheochromocytoma; Cowden syndrome 3. Last evaluated: 2024-11-22. Review status: criteria provided, single submitter. Criteria: Invitae Variant Classification Sherloc (09022015). Collection method: clinical testing. Allele origin: germline.
Comment: This sequence change replaces threonine, which is neutral and polar, with alanine, which is neutral and non-polar, at codon 100 of the SDHD protein (p.Thr100Ala). This variant is not present in population databases (gnomAD no frequency). This variant has not been reported in the literature in individuals affected with SDHD-related conditions. ClinVar contains an entry for this variant (Variation ID: 486440). Invitae Evidence Modeling of protein sequence and biophysical properties (such as structural, functional, and spatial information, amino acid conservation, physicochemical variation, residue mobility, and thermodynamic stability) indicates that this missense variant is not expected to disrupt SDHD protein function with a negative predictive value of 80%. In summary, the available evidence is currently insufficient to determine the role of this variant in disease. Therefore, it has been classified as a Variant of Uncertain Significance.

Ambry Genetics
Classification: Uncertain significance for Hereditary cancer-predisposing syndrome. Last evaluated: 2023-07-25. Review status: criteria provided, single submitter. Criteria: Ambry Variant Classification Scheme 2023. Collection method: clinical testing. Allele origin: germline.
Comment: The p.T100A variant (also known as c.298A>G), located in coding exon 3 of the SDHD gene, results from an A to G substitution at nucleotide position 298. The threonine at codon 100 is replaced by alanine, an amino acid with similar properties. This amino acid position is well conserved in available vertebrate species. In addition, this alteration is predicted to be deleterious by in silico analysis. Since supporting evidence is limited at this time, the clinical significance of this alteration remains unclear.

NM_003002.4(SDHD):c.298A>G (p.Thr100Ala)

Gene: SDHD (succinate dehydrogenase complex subunit D; plus strand). Cytogenetic location: 11q23.1.
Variant type: single nucleotide variant.
Coding change: c.298A>G on transcript NM_003002.4 (MANE Select); coding-DNA position 298, A replaced by G.
Protein change: p.Thr100Ala; replaces threonine 100 with alanine.
Molecular consequence: missense variant. On other transcripts: non-coding transcript variant (1), intron variant (1).
Genome position (GRCh38, 1-based): chr11:112,088,995, A>G. VCF-style: chr11-112088995-A-G. GRCh37 (hg19) VCF-style: chr11-111959719-A-G.
Other names: c.181A>G, p.Thr61Ala (NM_001276504.2); c.298A>G, p.Thr100Ala (NM_001276506.2); c.169+1022A>G (NM_001276503.2); short protein forms T100A, T61A.
Identifiers: ClinVar variation 486440 (VCV000486440.11), dbSNP rs1555187065, ClinGen allele CA382617402.